The following is an entry in ClinVar:

ClinVar aggregate classification (germline): Uncertain significance (1 of 4 stars; one submission).

Conditions:
Inborn genetic diseases. Identifiers: MedGen C0950123, MeSH D030342.

gnomAD v4.1: 1 of 1,610,890 alleles (0.000062%); highest among the groups gnomAD compares: Non-Finnish European, 0.000085%; no homozygotes.

Submission:

Ambry Genetics
Classification: Uncertain significance for Inborn genetic diseases. Last evaluated: 2025-02-20. Review status: criteria provided, single submitter. Criteria: Ambry Variant Classification Scheme 2023. Collection method: clinical testing. Allele origin: germline.
Comment: The p.Y622C variant (also known as c.1865A>G), located in coding exon 11 of the PIK3CA gene, results from an A to G substitution at nucleotide position 1865. The tyrosine at codon 622 is replaced by cysteine, an amino acid with highly dissimilar properties. This amino acid position is conserved. In addition, the in silico prediction for this alteration is inconclusive. Based on the available evidence, the clinical significance of this variant remains unclear.

NM_006218.4(PIK3CA):c.1865A>G (p.Tyr622Cys)

Gene: PIK3CA (phosphatidylinositol-4,5-bisphosphate 3-kinase catalytic subunit alpha; plus strand). Cytogenetic location: 3q26.32.
Variant type: single nucleotide variant.
Coding change: c.1865A>G on transcript NM_006218.4 (MANE Select); coding-DNA position 1865, A replaced by G.
Protein change: p.Tyr622Cys; replaces tyrosine 622 with cysteine.
Molecular consequence: missense variant.
Genome position (GRCh38, 1-based): chr3:179,219,689, A>G. VCF-style: chr3-179219689-A-G. GRCh37 (hg19) VCF-style: chr3-178937477-A-G.
Other names: short protein forms Y622C.
Identifiers: ClinVar variation 3888953 (VCV003888953.1).